The following is an entry in ClinVar:

NM_000489.6(ATRX):c.6631G>T (p.Glu2211Ter)

Gene: ATRX (ATRX chromatin remodeler; minus strand). Cytogenetic location: Xq21.1.
Variant type: single nucleotide variant.
Coding change: c.6631G>T on transcript NM_000489.6 (MANE Select); coding-DNA position 6631, G replaced by T.
Protein change: p.Glu2211Ter; replaces glutamic acid 2211 with a stop codon.
Molecular consequence: nonsense.
Genome position (GRCh38, 1-based): chrX:77,557,519, C>A on the plus strand (G>T on the coding strand, the complement: ATRX is on the minus strand). VCF-style: chrX-77557519-C-A. GRCh37 (hg19) VCF-style: chrX-76812990-C-A.
Other names: c.6517G>T, p.Glu2173Ter (NM_138270.5); short protein forms E2211*, E2173*.
Identifiers: ClinVar variation 91912 (VCV000091912.2), dbSNP rs386352283, ClinGen allele CA232147.
Genomic context (GRCh38, chrX:77,557,519, plus strand): 5'-GCATGGGAGTATCCCTCTTCTTCTTCTTTTCTGAATTAGGGTCATCTAATAAGTCTGGCT[C>A]AAAAGTATAAAGTTCAGTAAGCTCATTCATAGTAAAATGACGCTCCACCTGCTGCTGATC-3'

ClinVar aggregate classification (germline): Uncertain significance (0 of 4 stars; one submission).

Submission:

Richard Lifton Laboratory, Yale University School of Medicine
Classification: Uncertain significance. Review status: no assertion criteria provided. Collection method: not provided. Allele origin: somatic.
Comment: ATRX
ClinVar note: Converted during submission from unknown to Uncertain significance.